The following is an entry in ClinVar:

NM_033004.4(NLRP1):c.2284C>T (p.Arg762Cys)

Gene: NLRP1 (NLR family pyrin domain containing 1; minus strand). Cytogenetic location: 17p13.2.
Variant type: single nucleotide variant.
Coding change: c.2284C>T on transcript NM_033004.4 (MANE Select); coding-DNA position 2284, C replaced by T.
Protein change: p.Arg762Cys; replaces arginine 762 with cysteine.
Molecular consequence: missense variant.
Genome position (GRCh38, 1-based): chr17:5,558,412, G>A on the plus strand (C>T on the coding strand, the complement: NLRP1 is on the minus strand). VCF-style: chr17-5558412-G-A. GRCh37 (hg19) VCF-style: chr17-5461732-G-A.
Other names: c.2284C>T, p.Arg762Cys (NM_001033053.3, NM_014922.5, NM_033006.4 and 1 more transcripts); short protein forms R762C.
Identifiers: ClinVar variation 1386160 (VCV001386160.8), dbSNP rs146908613, ClinGen allele CA8327221.
Genomic context (GRCh38, chr17:5,558,412, plus strand): 5'-TGGGGCTCCATGTTGATCTGTGCTGCCTGCCCTCAATCAGCTGAAGCTTCTTCACGTGGC[G>A]GCTGAATTTAATGCAGAAAGTGCACACTAAGAGCTCCATGTCTGTTTCTACACACATGCC-3'
Protein context (NP_127497.1, residues 752-772): LVCTFCIKFS[Arg762Cys]HVKKLQLIEG

ClinVar aggregate classification (germline): Uncertain significance (1 of 4 stars; one submission).

Allele frequency attached by ClinVar (database versions not stated): gnomAD exomes below 0.00001 and 0.00002; ExAC 0.00002; gnomAD 0.00004; TOPMed 0.00005; ESP Exome Variant Server 0.00008.
gnomAD v4.1: 42 of 1,613,968 alleles (0.0026%); highest among the groups gnomAD compares: African/African-American, 0.0067%; no homozygotes.

Submission:

Labcorp Genetics (formerly Invitae), Labcorp
Classification: Uncertain significance. Last evaluated: 2025-01-15. Review status: criteria provided, single submitter. Criteria: Invitae Variant Classification Sherloc (09022015). Collection method: clinical testing. Allele origin: germline.
Comment: This sequence change replaces arginine, which is basic and polar, with cysteine, which is neutral and slightly polar, at codon 762 of the NLRP1 protein (p.Arg762Cys). This variant is present in population databases (rs146908613, gnomAD 0.008%). This variant has not been reported in the literature in individuals affected with NLRP1-related conditions. ClinVar contains an entry for this variant (Variation ID: 1386160). An algorithm developed to predict the effect of missense changes on protein structure and function outputs the following: PolyPhen-2: "Benign". The cysteine amino acid residue is found in multiple mammalian species, which suggests that this missense change does not adversely affect protein function. In summary, the available evidence is currently insufficient to determine the role of this variant in disease. Therefore, it has been classified as a Variant of Uncertain Significance.